The following is an entry in ClinVar:

NM_004304.5(ALK):c.140C>T (p.Ser47Leu)

Gene: ALK (ALK receptor tyrosine kinase; minus strand). Cytogenetic location: 2p23.1.
Variant type: single nucleotide variant.
Coding change: c.140C>T on transcript NM_004304.5 (MANE Select); coding-DNA position 140, C replaced by T.
Protein change: p.Ser47Leu; replaces serine 47 with leucine.
Molecular consequence: missense variant.
Genome position (GRCh38, 1-based): chr2:29,920,520, G>A on the plus strand (C>T on the coding strand, the complement: ALK is on the minus strand). VCF-style: chr2-29920520-G-A. GRCh37 (hg19) VCF-style: chr2-30143386-G-A.
Other names: short protein forms S47L.
Identifiers: ClinVar variation 470748 (VCV000470748.15), dbSNP rs541315214, ClinGen allele CA1595037.

ClinVar aggregate classification (germline): Conflicting classifications of pathogenicity. Review status: criteria provided, conflicting classifications (1 of 4 stars). 5 submissions from 5 submitters: Uncertain significance (1); Benign (1); Likely benign (2). 1 of the submissions does not count toward it. Last evaluated 2026-01-06.

Conditions:
Hereditary cancer-predisposing syndrome. Also called: Hereditary neoplastic syndrome; Neoplastic Syndromes, Hereditary; Tumor predisposition; Hereditary Cancer Syndrome. Identifiers: Orphanet 140162, MedGen C0027672, MeSH D009386, MONDO:0015356.
Neuroblastoma, susceptibility to, 3. Also called: ALK-Related Neuroblastic Tumor Susceptibility. Identifiers: Orphanet 635, MedGen C2751681, MONDO:0013083, OMIM 613014.

Allele frequency attached by ClinVar (database versions not stated): gnomAD 0.00001 and 0.00009; TOPMed 0.00002; 1000 Genomes Project 0.00040; ExAC 0.00043; 1000 Genomes Project 30x 0.00047.
gnomAD v4.1: 242 of 1,611,974 alleles (0.015%); highest among the groups gnomAD compares: South Asian, 0.25%; 2 homozygotes.

Submissions (5):

Labcorp Genetics (formerly Invitae), Labcorp
Classification: Likely benign for Neuroblastoma, susceptibility to, 3. Last evaluated: 2026-01-06. Review status: criteria provided, single submitter. Criteria: Invitae Variant Classification Sherloc (09022015). Collection method: clinical testing. Allele origin: germline.

Ambry Genetics
Classification: Benign for Hereditary cancer-predisposing syndrome. Last evaluated: 2024-06-25. Review status: criteria provided, single submitter. Criteria: Ambry Variant Classification Scheme 2023. Collection method: clinical testing. Allele origin: germline.

KCCC/NGS Laboratory, Kuwait Cancer Control Center
Classification: Likely benign for Neuroblastoma, susceptibility to, 3. Last evaluated: 2023-07-07. Review status: criteria provided, single submitter. Criteria: ACMG Guidelines, 2015. Collection method: clinical testing. Allele origin: germline. Affected: yes.

GeneDx
Classification: Uncertain significance. Last evaluated: 2022-11-22. Review status: criteria provided, single submitter. Criteria: GeneDx Variant Classification Process June 2021. Collection method: clinical testing. Allele origin: germline. Affected: yes.
Comment: In silico analysis supports that this missense variant does not alter protein structure/function; Has not been previously published as pathogenic or benign to our knowledge

Department of Pathology and Laboratory Medicine, Sinai Health System
Classification: Likely benign. Review status: no assertion criteria provided. Collection method: clinical testing. Allele origin: unknown. Affected: yes. Study: The Canadian Open Genetics Repository (COGR). Not counted in ClinVar's aggregate classification.
Comment: The ALK p.S47L variant was not identified in the literature nor was it identified in COSMIC. The variant was identified in dbSNP (ID: rs541315214) and ClinVar (classified as likely benign by Invitae). The variant was identified in control databases in 86 of 270974 chromosomes (2 homozygous) at a frequency of 0.0003174, and was observed at the highest frequency in the South Asian population in 83 of 30386 chromosomes (2 homozygous) (freq: 0.002732) (Genome Aggregation Database March 6, 2019, v2.1.1). The p.S47 residue is conserved in mammals and computational analyses (MUT Assesor, PolyPhen-2, SIFT, MutationTaster, Revel, FATHMM, MetaLR, DANN) suggest that the variant may impact the protein; however this information is not predictive enough to assume pathogenicity. The variant occurs outside of the splicing consensus sequence and in silico or computational prediction software programs (Splice AI exome) do not predict a deleterious effect on splicing. In summary, based on the above information the clinical significance of this variant cannot be determined with certainty at this time although we would lean towards a more benign role for this variant. This variant is classified as likely benign.